The following is an entry in ClinVar:

ClinVar aggregate classification (germline): Pathogenic (1 of 4 stars; one submission).

Submission:

GeneDx
Classification: Pathogenic. Last evaluated: 2024-12-16. Review status: criteria provided, single submitter. Criteria: GeneDx Variant Classification Process June 2021. Collection method: clinical testing. Allele origin: germline. Affected: yes.
Comment: Frameshift variant predicted to result in protein truncation or nonsense mediated decay in a gene for which loss of function is a known mechanism of disease; Not observed at significant frequency in large population cohorts (gnomAD); This variant is associated with the following publications: (PMID: 31191201, 38616269)

NM_013275.6(ANKRD11):c.3221_3222del (p.Lys1074fs)

Gene: ANKRD11 (ankyrin repeat domain containing 11; minus strand). Cytogenetic location: 16q24.3.
Variant type: Deletion.
Coding change: c.3221_3222del on transcript NM_013275.6 (MANE Select); coding-DNA positions 3221 to 3222, 2 bases deleted (AA; older notation c.3221_3222delAA).
Protein change: p.Lys1074fs; shifts the reading frame from lysine 1074.
Molecular consequence: frameshift variant.
Genome position (GRCh38, 1-based): chr16:89,283,320-89,283,321, TT deleted on the plus strand (AA on the coding strand, the reverse complement: ANKRD11 is on the minus strand); deleting any 2 consecutive bases within chr16:89,283,320-89,283,322 gives the same sequence; the c. name uses the placement nearest the transcript's 3' end. VCF-style (leftmost placement, unchanged base first): chr16-89283319-CTT-C. GRCh37 (hg19) VCF-style: chr16-89349727-CTT-C.
Other names: c.3221_3222del, p.Lys1074fs (NM_001256182.2, NM_001256183.2); short protein forms K1074fs.
Identifiers: ClinVar variation 3903187 (VCV003903187.1).